The following is an entry in ClinVar:

ClinVar aggregate classification (germline): Uncertain significance (1 of 4 stars; one submission).

Allele frequency attached by ClinVar (database versions not stated): gnomAD exomes 0.00001 and 0.00002; gnomAD 0.00003 and 0.00005; TOPMed 0.00003; ExAC 0.00004; 1000 Genomes Project 30x 0.00047; 1000 Genomes Project 0.00060.
gnomAD v4.1: 29 of 1,611,606 alleles (0.0018%); highest among the groups gnomAD compares: Admixed American, 0.027%; no homozygotes.

Submission:

Labcorp Genetics (formerly Invitae), Labcorp
Classification: Uncertain significance. Last evaluated: 2023-10-30. Review status: criteria provided, single submitter. Criteria: Invitae Variant Classification Sherloc (09022015). Collection method: clinical testing. Allele origin: germline.
Comment: This sequence change replaces serine, which is neutral and polar, with leucine, which is neutral and non-polar, at codon 49 of the MKL1 protein (p.Ser49Leu). This variant is present in population databases (rs199952280, gnomAD 0.008%). This variant has not been reported in the literature in individuals affected with MKL1-related conditions. ClinVar contains an entry for this variant (Variation ID: 998421). An algorithm developed to predict the effect of missense changes on protein structure and function (PolyPhen-2) suggests that this variant is likely to be disruptive. In summary, the available evidence is currently insufficient to determine the role of this variant in disease. Therefore, it has been classified as a Variant of Uncertain Significance.

NM_020831.6(MRTFA):c.446C>T (p.Ser149Leu)

Gene: MRTFA (myocardin related transcription factor A; minus strand). Cytogenetic location: 22q13.1.
Variant type: single nucleotide variant.
Coding change: c.446C>T on transcript NM_020831.6 (MANE Select); coding-DNA position 446, C replaced by T.
Protein change: p.Ser149Leu; replaces serine 149 with leucine.
Molecular consequence: missense variant.
Genome position (GRCh38, 1-based): chr22:40,429,761, G>A on the plus strand (C>T on the coding strand, the complement: MRTFA is on the minus strand). VCF-style: chr22-40429761-G-A. GRCh37 (hg19) VCF-style: chr22-40825765-G-A.
Other names: c.146C>T, p.Ser49Leu (NM_001282660.2); c.446C>T, p.Ser149Leu (NM_001282661.3, NM_001282662.3); c.251C>T, p.Ser84Leu (NM_001318139.2); short protein forms S149L, S49L, S84L.
Identifiers: ClinVar variation 998421 (VCV000998421.9), dbSNP rs199952280, ClinGen allele CA10249966.
Genomic context (GRCh38, chr22:40,429,761, plus strand): 5'-TCATCGGCTAGTCTGGCTCTCTTCAGCTTCAGCTGCTTGGCCTGGAGGGATGGCTCAGCC[G>A]AGGTCTCTGCCCATGGGAGAGAAAGGGGTGCAGGAAGATATATGAGTGGACGTGGTTCTG-3'
Protein context (NP_065882.2, residues 139-159): LVRMHILEET[Ser149Leu]AEPSLQAKQL